The following is an entry in ClinVar:

ClinVar aggregate classification (germline): Conflicting classifications of pathogenicity. Review status: criteria provided, conflicting classifications (1 of 4 stars). 2 submissions from 2 submitters: Uncertain significance (1); Likely benign (1). Last evaluated 2025-06-19.

Conditions:
Inborn genetic diseases. Identifiers: MedGen C0950123, MeSH D030342.

Allele frequency attached by ClinVar (database versions not stated): TOPMed 0.00001; gnomAD exomes 0.00002 and 0.00004; gnomAD 0.00003; ExAC 0.00004.
gnomAD v4.1: 32 of 1,613,570 alleles (0.002%); highest among the groups gnomAD compares: Non-Finnish European, 0.0026%; no homozygotes.

Submissions (2):

Labcorp Genetics (formerly Invitae), Labcorp
Classification: Uncertain significance. Last evaluated: 2025-06-19. Review status: criteria provided, single submitter. Criteria: Invitae Variant Classification Sherloc (09022015). Collection method: clinical testing. Allele origin: germline.
Comment: This sequence change replaces glutamic acid, which is acidic and polar, with glycine, which is neutral and non-polar, at codon 1681 of the COL4A2 protein (p.Glu1681Gly). This variant is present in population databases (rs777905652, gnomAD 0.009%). This variant has not been reported in the literature in individuals affected with COL4A2-related conditions. ClinVar contains an entry for this variant (Variation ID: 1424470). Invitae Evidence Modeling of protein sequence and biophysical properties (such as structural, functional, and spatial information, amino acid conservation, physicochemical variation, residue mobility, and thermodynamic stability) indicates that this missense variant is not expected to disrupt COL4A2 protein function with a negative predictive value of 95%. In summary, the available evidence is currently insufficient to determine the role of this variant in disease. Therefore, it has been classified as a Variant of Uncertain Significance.

Ambry Genetics
Classification: Likely benign for Inborn genetic diseases. Last evaluated: 2023-08-21. Review status: criteria provided, single submitter. Criteria: Ambry Variant Classification Scheme 2023. Collection method: clinical testing. Allele origin: germline.

NM_001846.4(COL4A2):c.5042A>G (p.Glu1681Gly)

Gene: COL4A2 (collagen type IV alpha 2 chain; plus strand). Cytogenetic location: 13q34.
Variant type: single nucleotide variant.
Coding change: c.5042A>G on transcript NM_001846.4 (MANE Select); coding-DNA position 5042, A replaced by G.
Protein change: p.Glu1681Gly; replaces glutamic acid 1681 with glycine.
Molecular consequence: missense variant.
Genome position (GRCh38, 1-based): chr13:110,512,094, A>G. VCF-style: chr13-110512094-A-G. GRCh37 (hg19) VCF-style: chr13-111164441-A-G.
Other names: c.5042A>G (NM_001846.2); short protein forms E1681G.
Identifiers: ClinVar variation 1424470 (VCV001424470.9), dbSNP rs777905652, ClinGen allele CA7050755.